The following is an entry in ClinVar:

ClinVar aggregate classification (germline): Uncertain significance. Review status: criteria provided, multiple submitters, no conflicts (2 of 4 stars). 2 submissions from 2 submitters: Uncertain significance (2). Last evaluated 2025-11-26.

Conditions:
Spermatogenic failure 18. Identifiers: MedGen C4539783, MONDO:0054615, OMIM 617576.
Ciliary dyskinesia, primary, 37 (CILD37). Also called: CILIARY DYSKINESIA, PRIMARY, 37, WITH OR WITHOUT SITUS INVERSUS. Identifiers: MedGen C4539798, MONDO:0033204, OMIM 617577.
Primary ciliary dyskinesia. Also called: Ciliary dyskinesia. Identifiers: Orphanet 244, MedGen C0008780, MONDO:0016575, HP:0012265.

Allele frequency attached by ClinVar (database versions not stated): gnomAD 0.00003 and 0.00002; gnomAD exomes 0.00019 and 0.00013; TOPMed 0.00005; ExAC 0.00037.
gnomAD v4.1: 187 of 1,604,430 alleles (0.012%); highest among the groups gnomAD compares: East Asian, 0.12%; no homozygotes.

Submissions (2):

Molecular Genetics McLendon Clinical Laboratories, University of North Carolina at Chapel Hill
Classification: Uncertain significance for Primary ciliary dyskinesia. Last evaluated: 2025-11-26. Review status: criteria provided, single submitter. Criteria: ACMG Guidelines, 2015. Collection method: clinical testing. Allele origin: germline.

Labcorp Genetics (formerly Invitae), Labcorp
Classification: Uncertain significance for Ciliary dyskinesia, primary, 37; Spermatogenic failure 18. Last evaluated: 2024-01-17. Review status: criteria provided, single submitter. Criteria: Invitae Variant Classification Sherloc (09022015). Collection method: clinical testing. Allele origin: germline.
Comment: This sequence change replaces valine, which is neutral and non-polar, with methionine, which is neutral and non-polar, at codon 2587 of the DNAH1 protein (p.Val2587Met). This variant is present in population databases (rs747611842, gnomAD 0.08%). This variant has not been reported in the literature in individuals affected with DNAH1-related conditions. ClinVar contains an entry for this variant (Variation ID: 1036467). Advanced modeling of protein sequence and biophysical properties (such as structural, functional, and spatial information, amino acid conservation, physicochemical variation, residue mobility, and thermodynamic stability) performed at Invitae indicates that this missense variant is not expected to disrupt DNAH1 protein function with a negative predictive value of 80%. In summary, the available evidence is currently insufficient to determine the role of this variant in disease. Therefore, it has been classified as a Variant of Uncertain Significance.

NM_015512.5(DNAH1):c.7759G>A (p.Val2587Met)

Gene: DNAH1 (dynein axonemal heavy chain 1; plus strand). Cytogenetic location: 3p21.1.
Variant type: single nucleotide variant.
Coding change: c.7759G>A on transcript NM_015512.5 (MANE Select); coding-DNA position 7759, G replaced by A.
Protein change: p.Val2587Met; replaces valine 2587 with methionine.
Molecular consequence: missense variant.
Genome position (GRCh38, 1-based): chr3:52,381,790, G>A. VCF-style: chr3-52381790-G-A. GRCh37 (hg19) VCF-style: chr3-52415806-G-A.
Other names: c.7759G>A (NM_015512.4); short protein forms V2587M.
Identifiers: ClinVar variation 1036467 (VCV001036467.4), dbSNP rs747611842, ClinGen allele CA2434964.